The following is an entry in ClinVar:

ClinVar aggregate classification (germline): Likely pathogenic. Review status: criteria provided, multiple submitters, no conflicts (2 of 4 stars). 2 submissions from 2 submitters: Likely pathogenic (2). Last evaluated 2025-07-07.

Conditions:
ACCES syndrome (ACCES). Also called: APLASIA CUTIS CONGENITA WITH ECTRODACTYLY SKELETAL SYNDROME. Identifiers: MedGen C5677019, MONDO:0859262, OMIM 619959.

Submissions (2):

Laboratorio de Genetica e Diagnostico Molecular, Hospital Israelita Albert Einstein
Classification: Likely pathogenic for ACCES syndrome. Last evaluated: 2025-07-07. Review status: criteria provided, single submitter. Criteria: ACMG Guidelines, 2015. Collection method: clinical testing. Allele origin: germline. Affected: yes.
Comment: ACMG classification criteria: PVS1 very strong, PM2 supporting

Institute of Human Genetics, Clinical Exome/Genome Diagnostics Group, University Hospital Bonn
Classification: Likely pathogenic for ACCES syndrome. Last evaluated: 2024-08-01. Review status: criteria provided, single submitter. Criteria: ACMG Guidelines, 2015. Collection method: clinical testing. Allele origin: maternal. Affected: yes.

NM_005499.3(UBA2):c.319C>T (p.Arg107Ter)

Gene: UBA2 (ubiquitin like modifier activating enzyme 2; plus strand). Cytogenetic location: 19q13.11.
Variant type: single nucleotide variant.
Coding change: c.319C>T on transcript NM_005499.3 (MANE Select); coding-DNA position 319, C replaced by T.
Protein change: p.Arg107Ter; replaces arginine 107 with a stop codon.
Molecular consequence: nonsense.
Genome position (GRCh38, 1-based): chr19:34,433,373, C>T. VCF-style: chr19-34433373-C-T. GRCh37 (hg19) VCF-style: chr19-34924278-C-T.
Other names: c.31C>T, p.Arg11Ter (NM_001411139.1); short protein forms R107*, R11*.
Identifiers: ClinVar variation 3370512 (VCV003370512.2).